The following is an entry in ClinVar:

NM_130837.3(OPA1):c.1985G>A (p.Ser662Asn)

Gene: OPA1 (OPA1 mitochondrial dynamin like GTPase; plus strand). Cytogenetic location: 3q29.
Variant type: single nucleotide variant.
Coding change: c.1985G>A on transcript NM_130837.3 (MANE Select); coding-DNA position 1985, G replaced by A.
Protein change: p.Ser662Asn; replaces serine 662 with asparagine.
Molecular consequence: missense variant.
Genome position (GRCh38, 1-based): chr3:193,648,844, G>A. VCF-style: chr3-193648844-G-A. GRCh37 (hg19) VCF-style: chr3-193366633-G-A.
Other names: c.1451G>A, p.Ser484Asn (NM_001354663.2); c.1448G>A, p.Ser483Asn (NM_001354664.2); c.1820G>A, p.Ser607Asn (NM_015560.3); c.1712G>A, p.Ser571Asn (NM_130831.3); c.1766G>A, p.Ser589Asn (NM_130832.3); c.1823G>A, p.Ser608Asn (NM_130833.3); c.1874G>A, p.Ser625Asn (NM_130834.3); c.1877G>A, p.Ser626Asn (NM_130835.3); and 1 more; short protein forms S483N, S484N, S571N, S589N, S607N, S608N, S625N, S626N.
Identifiers: ClinVar variation 1316167 (VCV001316167.3), dbSNP rs2109083949, ClinGen allele CA355790886.

ClinVar aggregate classification (germline): Uncertain significance (1 of 4 stars; one submission).

Allele frequency attached by ClinVar (database versions not stated): gnomAD exomes below 0.00001.
gnomAD v4.1: 2 of 1,609,552 alleles (0.00012%); highest among the groups gnomAD compares: South Asian, 0.0011%; no homozygotes.

Submission:

GeneDx
Classification: Uncertain significance. Last evaluated: 2024-10-25. Review status: criteria provided, single submitter. Criteria: GeneDx Variant Classification Process June 2021. Collection method: clinical testing. Allele origin: germline. Affected: yes.
Comment: Not observed at significant frequency in large population cohorts (gnomAD); In silico analysis indicates that this missense variant does not alter protein structure/function; Has not been previously published as pathogenic or benign to our knowledge